The following is an entry in ClinVar:

NM_004727.3(SLC24A1):c.718A>G (p.Ile240Val)

Gene: SLC24A1 (solute carrier family 24 member 1; plus strand). Cytogenetic location: 15q22.31.
Variant type: single nucleotide variant.
Coding change: c.718A>G on transcript NM_004727.3 (MANE Select); coding-DNA position 718, A replaced by G.
Protein change: p.Ile240Val; replaces isoleucine 240 with valine.
Molecular consequence: missense variant.
Genome position (GRCh38, 1-based): chr15:65,624,798, A>G. VCF-style: chr15-65624798-A-G. GRCh37 (hg19) VCF-style: chr15-65917136-A-G.
Other names: c.718A>G, p.Ile240Val (NM_001301031.1, NM_001301032.1, NM_001301033.2); short protein forms I240V.
Identifiers: ClinVar variation 1385447 (VCV001385447.6), dbSNP rs2141462744, ClinGen allele CA392914717.
Genomic context (GRCh38, chr15:65,624,798, plus strand): 5'-GTGAAAGACAGTGACATTACAGCAACCTATAAAATACTCGAAACCAACTCTCTTAAGAGA[A>G]TAATGGAGGAAACCACCCCAACCACTCTCAAGGGAATGTTTGATAGCACCCCAACTTTTC-3'
Protein context (NP_004718.1, residues 230-250): KILETNSLKR[Ile240Val]MEETTPTTLK

ClinVar aggregate classification (germline): Uncertain significance (1 of 4 stars; one submission).

Submission:

Labcorp Genetics (formerly Invitae), Labcorp
Classification: Uncertain significance. Last evaluated: 2024-11-05. Review status: criteria provided, single submitter. Criteria: Invitae Variant Classification Sherloc (09022015). Collection method: clinical testing. Allele origin: germline.
Comment: This sequence change replaces isoleucine, which is neutral and non-polar, with valine, which is neutral and non-polar, at codon 240 of the SLC24A1 protein (p.Ile240Val). This variant is not present in population databases (gnomAD no frequency). This variant has not been reported in the literature in individuals affected with SLC24A1-related conditions. ClinVar contains an entry for this variant (Variation ID: 1385447). An algorithm developed to predict the effect of missense changes on protein structure and function outputs the following: PolyPhen-2: "Benign". The valine amino acid residue is found in multiple mammalian species, which suggests that this missense change does not adversely affect protein function. In summary, the available evidence is currently insufficient to determine the role of this variant in disease. Therefore, it has been classified as a Variant of Uncertain Significance.